The following is an entry in ClinVar:

NM_002485.5(NBN):c.1531A>G (p.Asn511Asp)

Gene: NBN (nibrin; minus strand). Cytogenetic location: 8q21.3.
Variant type: single nucleotide variant.
Coding change: c.1531A>G on transcript NM_002485.5 (MANE Select); coding-DNA position 1531, A replaced by G.
Protein change: p.Asn511Asp; replaces asparagine 511 with aspartic acid.
Molecular consequence: missense variant.
Genome position (GRCh38, 1-based): chr8:89,953,558, T>C on the plus strand (A>G on the coding strand, the complement: NBN is on the minus strand). VCF-style: chr8-89953558-T-C. GRCh37 (hg19) VCF-style: chr8-90965786-T-C.
Other names: c.1285A>G, p.Asn429Asp (NM_001024688.3); short protein forms N429D, N511D.
Identifiers: ClinVar variation 1719397 (VCV001719397.5), dbSNP rs2488232864, ClinGen allele CA371655656.

ClinVar aggregate classification (germline): Uncertain significance (1 of 4 stars; one submission).

Conditions:
Microcephaly, normal intelligence and immunodeficiency (NBS). Also called: Nijmegen breakage syndrome; Microcephaly with normal intelligence immunodeficiency and lymphoreticular malignancies; Nonsyndromal microcephaly autosomal recessive with normal intelligence; Seemanova syndrome 2; Ataxia telangiectasia variant V1; SEEMANOVA SYNDROME II. Identifiers: Orphanet 647, MedGen C0398791, MONDO:0009623, OMIM 251260.

Submission:

Labcorp Genetics (formerly Invitae), Labcorp
Classification: Uncertain significance for Microcephaly, normal intelligence and immunodeficiency. Last evaluated: 2022-09-14. Review status: criteria provided, single submitter. Criteria: Invitae Variant Classification Sherloc (09022015). Collection method: clinical testing. Allele origin: germline.
Comment: This sequence change replaces asparagine, which is neutral and polar, with aspartic acid, which is acidic and polar, at codon 511 of the NBN protein (p.Asn511Asp). This variant is not present in population databases (gnomAD no frequency). This variant has not been reported in the literature in individuals affected with NBN-related conditions. Algorithms developed to predict the effect of missense changes on protein structure and function (SIFT, PolyPhen-2, Align-GVGD) all suggest that this variant is likely to be tolerated. In summary, the available evidence is currently insufficient to determine the role of this variant in disease. Therefore, it has been classified as a Variant of Uncertain Significance.